The following is an entry in ClinVar:

NM_000053.4(ATP7B):c.166C>T (p.Gln56Ter)

Gene: ATP7B (ATPase copper transporting beta; minus strand). Cytogenetic location: 13q14.3.
Variant type: single nucleotide variant.
Coding change: c.166C>T on transcript NM_000053.4 (MANE Select); coding-DNA position 166, C replaced by T.
Protein change: p.Gln56Ter; replaces glutamine 56 with a stop codon.
Molecular consequence: nonsense.
Genome position (GRCh38, 1-based): chr13:51,975,054, G>A on the plus strand (C>T on the coding strand, the complement: ATP7B is on the minus strand). VCF-style: chr13-51975054-G-A. GRCh37 (hg19) VCF-style: chr13-52549190-G-A.
Other names: c.166C>T, p.Gln56Ter (NM_001406531.1, NM_001406532.1, NM_001406534.1 and 30 more transcripts); c.70C>T, p.Gln24Ter (NM_001406536.1, NM_001406539.1, NM_001406543.1 and 4 more transcripts); short protein forms Q24*, Q56*.
Identifiers: ClinVar variation 4758016 (VCV004758016.1).

ClinVar aggregate classification (germline): Pathogenic (1 of 4 stars; one submission).

Conditions:
Wilson disease (WND). Also called: Wilson's disease. Identifiers: Orphanet 905, MedGen C0019202, MONDO:0010200, OMIM 277900. Disease mechanism: loss of function.

Submission:

Color Diagnostics, LLC DBA Color Health
Classification: Pathogenic for Wilson disease. Last evaluated: 2025-09-05. Review status: criteria provided, single submitter. Criteria: ACMG Guidelines, 2015. Collection method: clinical testing. Allele origin: germline.
Comment: This variant changes 1 nucleotide in exon 2 of the ATP7B gene, creating a premature translation stop signal. This variant is expected to result in an absent or non-functional protein product. This variant has been reported in an individual affected with Wilson disease (PMID: 35444691). This variant has not been identified in the general population by the Genome Aggregation Database (gnomAD). Loss of ATP7B function is a known mechanism of disease. Based on the available evidence, this variant is classified as Pathogenic.

Literature cited by the submitters: PubMed 35444691.